The following is an entry in ClinVar:

NM_000629.3(IFNAR1):c.1486del (p.Glu496fs)

Gene: IFNAR1 (interferon alpha and beta receptor subunit 1; plus strand). Cytogenetic location: 21q22.11.
Variant type: Deletion.
Coding change: c.1486del on transcript NM_000629.3 (MANE Select); coding-DNA position 1486, one base deleted (G; older notation c.1486delG).
Protein change: p.Glu496fs; shifts the reading frame from glutamic acid 496.
Molecular consequence: frameshift variant. On other transcripts: 3 prime UTR variant (1).
Genome position (GRCh38, 1-based): chr21:33,355,361, G deleted. VCF-style (leftmost placement, unchanged base first): chr21-33355360-TG-T. GRCh37 (hg19) VCF-style: chr21-34727666-TG-T.
Other names: c.1486del, p.Glu496fs (NM_001384498.1); c.*35del (NM_001384499.1); c.724del, p.Glu242fs (NM_001384500.1); c.1456del, p.Glu486fs (NM_001384501.1); c.1024del, p.Glu342fs (NM_001384502.1); c.1471del, p.Glu491fs (NM_001384503.1); c.1279del, p.Glu427fs (NM_001384504.1); short protein forms E242fs, E486fs, E427fs, E342fs, E491fs, E496fs.
Identifiers: ClinVar variation 2012460 (VCV002012460.4), dbSNP rs2516889370, ClinGen allele CA2580098583.

ClinVar aggregate classification (germline): Uncertain significance (1 of 4 stars; one submission).

Submission:

Labcorp Genetics (formerly Invitae), Labcorp
Classification: Uncertain significance. Last evaluated: 2024-10-28. Review status: criteria provided, single submitter. Criteria: Invitae Variant Classification Sherloc (09022015). Collection method: clinical testing. Allele origin: germline.
Comment: This sequence change creates a premature translational stop signal (p.Glu496Argfs*9) in the IFNAR1 gene. While this is not anticipated to result in nonsense mediated decay, it is expected to disrupt the last 62 amino acid(s) of the IFNAR1 protein. This variant is not present in population databases (gnomAD no frequency). This variant has not been reported in the literature in individuals affected with IFNAR1-related conditions. ClinVar contains an entry for this variant (Variation ID: 2012460). Algorithms developed to predict the effect of sequence changes on RNA splicing suggest that this variant may disrupt the consensus splice site. In summary, the available evidence is currently insufficient to determine the role of this variant in disease. Therefore, it has been classified as a Variant of Uncertain Significance.